The following is an entry in ClinVar:

NM_033026.6(PCLO):c.687G>A (p.Pro229=)

Gene: PCLO (piccolo presynaptic cytomatrix protein; minus strand). Cytogenetic location: 7q21.11.
Variant type: single nucleotide variant.
Coding change: c.687G>A on transcript NM_033026.6 (MANE Select); coding-DNA position 687, G replaced by A.
Protein change: p.Pro229=; no amino-acid change (proline 229 retained).
Molecular consequence: synonymous variant.
Genome position (GRCh38, 1-based): chr7:83,155,954, C>T on the plus strand (G>A on the coding strand, the complement: PCLO is on the minus strand). VCF-style: chr7-83155954-C-T. GRCh37 (hg19) VCF-style: chr7-82785270-C-T.
Other names: c.687G>A, p.Pro229= (NM_014510.3).
Identifiers: ClinVar variation 2657648 (VCV002657648.24), dbSNP rs553791433, ClinGen allele CA4321621.
Genomic context (GRCh38, chr7:83,155,954, plus strand): 5'-TGATTTAATTTTTTCTGGTTGTTGAGAAGATATTGATTTGGGAGTGCCATCCTGCTGAAG[C>T]GGATCCCTACCAGGTCCTTGCTGCTTAGGAATCGGCTTGGGTGGCTGTTGTTGTAAAGGA-3'
Protein context (NP_149015.2, residues 219-239): IPKQQGPGRD[Pro229=]LQQDGTPKSI

ClinVar aggregate classification (germline): Likely benign (1 of 4 stars; one submission).

Allele frequency attached by ClinVar (database versions not stated): gnomAD exomes below 0.00001; TOPMed below 0.00001; ExAC 0.00001.
gnomAD v4.1: 6 of 1,613,632 alleles (0.00037%); highest among the groups gnomAD compares: South Asian, 0.0011%; no homozygotes.

Submission:

CeGaT Center for Human Genetics Tuebingen
Classification: Likely benign. Last evaluated: 2023-05-01. Review status: criteria provided, single submitter. Criteria: CeGaT Center For Human Genetics Tuebingen Variant Classification Criteria Version 2. Collection method: clinical testing. Allele origin: germline. Affected: yes. Observed: 1 variant allele.
Comment: PCLO: BP4, BP7